The following is an entry in ClinVar:

NM_020297.4(ABCC9):c.4512+708G>A

Genes: ABCC9 (ATP binding cassette subfamily C member 9; minus strand), KCNJ8-AS1 (KCNJ8 antisense RNA 1; plus strand). Cytogenetic location: 12p12.1.
Variant type: single nucleotide variant.
Coding change: c.4512+708G>A on transcript NM_020297.4 (MANE Select); 708 bases into the intron after coding-DNA position 4512, G replaced by A.
Molecular consequence: intron variant. On other transcripts: missense variant (1).
Genome position (GRCh38, 1-based): chr12:21,805,290, C>T on the plus strand (G>A on the coding strand, the complement: ABCC9 is on the minus strand). VCF-style: chr12-21805290-C-T. GRCh37 (hg19) VCF-style: chr12-21958224-C-T.
Other names: c.4512+708G>A (NM_001377273.1); c.4534G>A, p.Asp1512Asn (NM_005691.4); c.3645+708G>A (NM_001377274.1); short protein forms D1512N.
Identifiers: ClinVar variation 1902259 (VCV001902259.5), dbSNP rs1941758521, ClinGen allele CA384129477.

ClinVar aggregate classification (germline): Uncertain significance (1 of 4 stars; one submission).

Conditions:
Dilated cardiomyopathy 1O (CMD1O). Also called: CARDIOMYOPATHY, DILATED, WITH VENTRICULAR TACHYCARDIA. Identifiers: Orphanet 154, MedGen C1837839, MONDO:0012062, OMIM 608569.

Allele frequency attached by ClinVar (database versions not stated): TOPMed below 0.00001.

Submission:

Labcorp Genetics (formerly Invitae), Labcorp
Classification: Uncertain significance for Dilated cardiomyopathy 1O. Last evaluated: 2022-02-20. Review status: criteria provided, single submitter. Criteria: Invitae Variant Classification Sherloc (09022015). Collection method: clinical testing. Allele origin: germline.
Comment: In summary, the available evidence is currently insufficient to determine the role of this variant in disease. Therefore, it has been classified as a Variant of Uncertain Significance. Algorithms developed to predict the effect of missense changes on protein structure and function (SIFT, PolyPhen-2, Align-GVGD) all suggest that this variant is likely to be tolerated. This variant has not been reported in the literature in individuals affected with ABCC9-related conditions. This variant is not present in population databases (gnomAD no frequency). This sequence change replaces aspartic acid, which is acidic and polar, with asparagine, which is neutral and polar, at codon 1512 of the ABCC9 protein (p.Asp1512Asn).